The following is an entry in ClinVar:

NM_003482.4(KMT2D):c.8012G>A (p.Gly2671Asp)

Gene: KMT2D (lysine methyltransferase 2D; minus strand). Cytogenetic location: 12q13.12.
Variant type: single nucleotide variant.
Coding change: c.8012G>A on transcript NM_003482.4 (MANE Select); coding-DNA position 8012, G replaced by A.
Protein change: p.Gly2671Asp; replaces glycine 2671 with aspartic acid.
Molecular consequence: missense variant.
Genome position (GRCh38, 1-based): chr12:49,039,758, C>T on the plus strand (G>A on the coding strand, the complement: KMT2D is on the minus strand). VCF-style: chr12-49039758-C-T. GRCh37 (hg19) VCF-style: chr12-49433541-C-T.
Other names: short protein forms G2671D.
Identifiers: ClinVar variation 3704084 (VCV003704084.2).

ClinVar aggregate classification (germline): Uncertain significance (1 of 4 stars; one submission).

Conditions:
Kabuki syndrome. Also called: Kabuki make-up syndrome; NIIKAWA-KUROKI SYNDROME. Identifiers: Orphanet 2322, MedGen C0796004, MONDO:0016512.

Submission:

Labcorp Genetics (formerly Invitae), Labcorp
Classification: Uncertain significance for Kabuki syndrome. Last evaluated: 2024-06-23. Review status: criteria provided, single submitter. Criteria: Invitae Variant Classification Sherloc (09022015). Collection method: clinical testing. Allele origin: germline.
Comment: This sequence change replaces glycine, which is neutral and non-polar, with aspartic acid, which is acidic and polar, at codon 2671 of the KMT2D protein (p.Gly2671Asp). This variant is not present in population databases (gnomAD no frequency). This variant has not been reported in the literature in individuals affected with KMT2D-related conditions. Advanced modeling of protein sequence and biophysical properties (such as structural, functional, and spatial information, amino acid conservation, physicochemical variation, residue mobility, and thermodynamic stability) performed at Invitae indicates that this missense variant is not expected to disrupt KMT2D protein function with a negative predictive value of 95%. In summary, the available evidence is currently insufficient to determine the role of this variant in disease. Therefore, it has been classified as a Variant of Uncertain Significance.